The following is an entry in ClinVar:

NM_000321.3(RB1):c.763C>G (p.Arg255Gly)

Gene: RB1 (RB transcriptional corepressor 1; plus strand). Cytogenetic location: 13q14.2.
Variant type: single nucleotide variant.
Coding change: c.763C>G on transcript NM_000321.3 (MANE Select); coding-DNA position 763, C replaced by G.
Protein change: p.Arg255Gly; replaces arginine 255 with glycine.
Molecular consequence: missense variant.
Genome position (GRCh38, 1-based): chr13:48,362,859, C>G. VCF-style: chr13-48362859-C-G. GRCh37 (hg19) VCF-style: chr13-48936995-C-G.
Other names: c.763C>G (NM_000321.2); short protein forms R255G.
Identifiers: ClinVar variation 1393004 (VCV001393004.9), dbSNP rs587778842, ClinGen allele CA388159356.

ClinVar aggregate classification (germline): Uncertain significance. Review status: criteria provided, multiple submitters, no conflicts (2 of 4 stars). 2 submissions from 2 submitters: Uncertain significance (2). Last evaluated 2024-11-06.

Conditions:
Hereditary cancer-predisposing syndrome. Also called: Neoplastic Syndromes, Hereditary; Hereditary neoplastic syndrome; Tumor predisposition; Hereditary Cancer Syndrome. Identifiers: Orphanet 140162, MedGen C0027672, MeSH D009386, MONDO:0015356.
Retinoblastoma (RB1). Also called: RETINOBLASTOMA, SOMATIC. Identifiers: Orphanet 790, MedGen C0035335, MeSH D012175, MONDO:0008380, OMIM 180200, HP:0009919. Disease mechanism: loss of function. Inheritance: Both sporadic and heritable forms are tested..

Allele frequency attached by ClinVar (database versions not stated): gnomAD 0.00001.
gnomAD v4.1: 1 of 1,613,592 alleles (0.000062%); highest among the groups gnomAD compares: Non-Finnish European, 0.000085%; no homozygotes.

Submissions (2):

Ambry Genetics
Classification: Uncertain significance for Hereditary cancer-predisposing syndrome. Last evaluated: 2024-11-06. Review status: criteria provided, single submitter. Criteria: Ambry Variant Classification Scheme 2023. Collection method: clinical testing. Allele origin: germline.
Comment: The p.R255G variant (also known as c.763C>G), located in coding exon 8 of the RB1 gene, results from a C to G substitution at nucleotide position 763. The arginine at codon 255 is replaced by glycine, an amino acid with dissimilar properties. This amino acid position is highly conserved in available vertebrate species. In addition, the in silico prediction for this alteration is inconclusive. Based on the available evidence, the clinical significance of this variant remains unclear.

Labcorp Genetics (formerly Invitae), Labcorp
Classification: Uncertain significance for Retinoblastoma. Last evaluated: 2024-04-24. Review status: criteria provided, single submitter. Criteria: Invitae Variant Classification Sherloc (09022015). Collection method: clinical testing. Allele origin: germline.
Comment: This sequence change replaces arginine, which is basic and polar, with glycine, which is neutral and non-polar, at codon 255 of the RB1 protein (p.Arg255Gly). This variant is not present in population databases (gnomAD no frequency). This variant has not been reported in the literature in individuals affected with RB1-related conditions. ClinVar contains an entry for this variant (Variation ID: 1393004). Advanced modeling of protein sequence and biophysical properties (such as structural, functional, and spatial information, amino acid conservation, physicochemical variation, residue mobility, and thermodynamic stability) performed at Invitae indicates that this missense variant is not expected to disrupt RB1 protein function with a negative predictive value of 80%. In summary, the available evidence is currently insufficient to determine the role of this variant in disease. Therefore, it has been classified as a Variant of Uncertain Significance.